The following is an entry in ClinVar:

ClinVar aggregate classification (germline): Uncertain significance (1 of 4 stars; one submission).

Conditions:
Autosomal recessive limb-girdle muscular dystrophy type 2A (LGMDR1). Also called: Muscular dystrophy, limb-girdle, type 2A, Amish; LEYDEN-MOEBIUS MUSCULAR DYSTROPHY; MUSCULAR DYSTROPHY, PELVOFEMORAL; Limb-girdle muscular dystrophy, type 2A; Calpainopathy. Identifiers: Orphanet 267, MedGen C1869123, MONDO:0009675, OMIM 253600. Disease mechanism: loss of function.

Submission:

Labcorp Genetics (formerly Invitae), Labcorp
Classification: Uncertain significance for Autosomal recessive limb-girdle muscular dystrophy type 2A. Last evaluated: 2025-07-30. Review status: criteria provided, single submitter. Criteria: Invitae Variant Classification Sherloc (09022015). Collection method: clinical testing. Allele origin: germline.
Comment: This sequence change replaces asparagine, which is neutral and polar, with lysine, which is basic and polar, at codon 457 of the CAPN3 protein (p.Asn457Lys). This variant is not present in population databases (gnomAD no frequency). This missense change has been observed in individual(s) with limb girdle muscular dystrophy (internal data). Invitae Evidence Modeling of protein sequence and biophysical properties (such as structural, functional, and spatial information, amino acid conservation, physicochemical variation, residue mobility, and thermodynamic stability) indicates that this missense variant is expected to disrupt CAPN3 protein function with a positive predictive value of 80%. In summary, the available evidence is currently insufficient to determine the role of this variant in disease. Therefore, it has been classified as a Variant of Uncertain Significance.

NM_000070.3(CAPN3):c.1371C>A (p.Asn457Lys)

Genes: CAPN3 (calpain 3; plus strand), LOC130056921 (ATAC-STARR-seq lymphoblastoid active region 9300; plus strand). Cytogenetic location: 15q15.1.
Variant type: single nucleotide variant.
Coding change: c.1371C>A on transcript NM_000070.3 (MANE Select); coding-DNA position 1371, C replaced by A.
Protein change: p.Asn457Lys; replaces asparagine 457 with lysine.
Molecular consequence: missense variant.
Genome position (GRCh38, 1-based): chr15:42,401,657, C>A. VCF-style: chr15-42401657-C-A. GRCh37 (hg19) VCF-style: chr15-42693855-C-A.
Other names: c.1371C>A, p.Asn457Lys (NM_024344.2); c.1227C>A, p.Asn409Lys (NM_173087.2); short protein forms N409K, N457K.
Identifiers: ClinVar variation 4749679 (VCV004749679.1).